The following is an entry in ClinVar:

NM_000875.5(IGF1R):c.1609G>A (p.Glu537Lys)

Gene: IGF1R (insulin like growth factor 1 receptor; plus strand). Cytogenetic location: 15q26.3.
Variant type: single nucleotide variant.
Coding change: c.1609G>A on transcript NM_000875.5 (MANE Select); coding-DNA position 1609, G replaced by A.
Protein change: p.Glu537Lys; replaces glutamic acid 537 with lysine.
Molecular consequence: missense variant.
Genome position (GRCh38, 1-based): chr15:98,913,063, G>A. VCF-style: chr15-98913063-G-A. GRCh37 (hg19) VCF-style: chr15-99456292-G-A.
Other names: c.1609G>A, p.Glu537Lys (NM_001291858.2); short protein forms E537K.
Identifiers: ClinVar variation 1695652 (VCV001695652.2), dbSNP rs2151676820, ClinGen allele CA393678805.
Genomic context (GRCh38, chr15:98,913,063, plus strand): 5'-GTCAGAGCCCCGAACTTTCTCTGAACTTAATTGTCTTTCAGACCCTTTAAGAATGTCACA[G>A]AGTATGATGGGCAGGATGCCTGCGGCTCCAACAGCTGGAACATGGTGGACGTGGACCTCC-3'
Protein context (NP_000866.1, residues 527-547): YKEAPFKNVT[Glu537Lys]YDGQDACGSN

ClinVar aggregate classification (germline): Uncertain significance (1 of 4 stars; one submission).

Submission:

GeneDx
Classification: Uncertain significance. Last evaluated: 2022-01-07. Review status: criteria provided, single submitter. Criteria: GeneDx Variant Classification Process June 2021. Collection method: clinical testing. Allele origin: germline. Affected: yes.
Comment: Not observed at significant frequency in large population cohorts (gnomAD); In silico analysis supports that this missense variant has a deleterious effect on protein structure/function; Has not been previously published as pathogenic or benign to our knowledge